The following is an entry in ClinVar:

NM_000138.5(FBN1):c.5711C>T (p.Thr1904Ile)

Gene: FBN1 (fibrillin 1; minus strand). Cytogenetic location: 15q21.1.
Variant type: single nucleotide variant.
Coding change: c.5711C>T on transcript NM_000138.5 (MANE Select); coding-DNA position 5711, C replaced by T.
Protein change: p.Thr1904Ile; replaces threonine 1904 with isoleucine.
Molecular consequence: missense variant.
Genome position (GRCh38, 1-based): chr15:48,446,783, G>A on the plus strand (C>T on the coding strand, the complement: FBN1 is on the minus strand). VCF-style: chr15-48446783-G-A. GRCh37 (hg19) VCF-style: chr15-48738980-G-A.
Other names: short protein forms T1904I.
Identifiers: ClinVar variation 925107 (VCV000925107.12), dbSNP rs1269096957, ClinGen allele CA392341317.

ClinVar aggregate classification (germline): Uncertain significance. Review status: criteria provided, multiple submitters, no conflicts (2 of 4 stars). 5 submissions from 5 submitters: Uncertain significance (5). Last evaluated 2025-06-28.

Conditions:
Weill-Marchesani syndrome 2, dominant. Also called: FBN1-Related Weill-Marchesani Syndrome; Weill-Marchesani Syndrome, Autosomal Dominant. Identifiers: Orphanet 2084, MedGen C1869115, MONDO:0012013, OMIM 608328.
Progeroid and marfanoid aspect-lipodystrophy syndrome. Also called: MARFANOID-PROGEROID SYNDROME; MARFAN-PROGEROID-LIPODYSTROPHY SYNDROME; Marfan lipodystrophy syndrome; MARFANOID-PROGEROID-LIPODYSTROPHY SYNDROME. Identifiers: Orphanet 300382, MedGen C4310796, MONDO:0014831, OMIM 616914.
Acromicric dysplasia (ACMICD). Also called: Acromicric skeletal dysplasia. Identifiers: Orphanet 969, MedGen C0265287, MONDO:0007055, OMIM 102370.
Ectopia lentis 1, isolated, autosomal dominant (ECTOL1). Identifiers: Orphanet 1885, MedGen C3541518, MONDO:0007514, OMIM 129600.
Geleophysic dysplasia 2 (GPHYSD2). Identifiers: Orphanet 2623, MedGen C3280054, MONDO:0013612, OMIM 614185.
Marfan syndrome (MFS). Also called: Marfan syndrome, classic; Marfan syndrome type 1; Marfan's syndrome; FBN1-Related Marfan Syndrome; MARFAN SYNDROME, TYPE I. Identifiers: Orphanet 284963, Orphanet 558, MedGen C0024796, MONDO:0007947, OMIM 154700.
MASS syndrome (OCTD). Also called: OVERLAP CONNECTIVE TISSUE DISEASE; MASS PHENOTYPE. Identifiers: MedGen C1858556, MONDO:0011431, OMIM 604308.
Stiff skin syndrome (SSKS). Identifiers: Orphanet 2833, MedGen C1861456, MONDO:0008492, OMIM 184900.
Familial thoracic aortic aneurysm and aortic dissection (TAAD). Also called: Thoracic aortic aneurysms and dissections. Identifiers: Orphanet 91387, MedGen C4707243, MONDO:0019625.

Allele frequency attached by ClinVar (database versions not stated): gnomAD exomes below 0.00001.
gnomAD v4.1: 1 of 1,612,978 alleles (0.000062%); highest among the groups gnomAD compares: Non-Finnish European, 0.000085%; no homozygotes.

Submissions (5):

GeneDx
Classification: Uncertain significance. Last evaluated: 2025-06-28. Review status: criteria provided, single submitter. Criteria: GeneDx Variant Classification Process June 2021. Collection method: clinical testing. Allele origin: germline. Affected: yes.
Comment: Not observed at significant frequency in large population cohorts (gnomAD); In silico analysis supports that this missense variant has a deleterious effect on protein structure/function; Has not been previously published as pathogenic or benign to our knowledge; Does not affect a cysteine or calcium-binding residue within an EGF-like domain or a TGF-binding protein domain of the FBN1 gene; cysteine substitutions in the EGF-like domains represent the majority of pathogenic missense changes associated with FBN1-related disorders (PMID: 12938084); This variant is associated with the following publications: (PMID: 12938084)

Labcorp Genetics (formerly Invitae), Labcorp
Classification: Uncertain significance for Marfan syndrome; Familial thoracic aortic aneurysm and aortic dissection. Last evaluated: 2025-05-11. Review status: criteria provided, single submitter. Criteria: Invitae Variant Classification Sherloc (09022015). Collection method: clinical testing. Allele origin: germline.
Comment: This sequence change replaces threonine, which is neutral and polar, with isoleucine, which is neutral and non-polar, at codon 1904 of the FBN1 protein (p.Thr1904Ile). This variant is present in population databases (no rsID available, gnomAD 0.007%). This variant has not been reported in the literature in individuals affected with FBN1-related conditions. ClinVar contains an entry for this variant (Variation ID: 925107). Invitae Evidence Modeling of protein sequence and biophysical properties (such as structural, functional, and spatial information, amino acid conservation, physicochemical variation, residue mobility, and thermodynamic stability) indicates that this missense variant is expected to disrupt FBN1 protein function with a positive predictive value of 95%. In summary, the available evidence is currently insufficient to determine the role of this variant in disease. Therefore, it has been classified as a Variant of Uncertain Significance.

Color Diagnostics, LLC DBA Color Health
Classification: Uncertain significance for Familial thoracic aortic aneurysm and aortic dissection. Last evaluated: 2024-03-06. Review status: criteria provided, single submitter. Criteria: ACMG Guidelines, 2015. Collection method: clinical testing. Allele origin: germline.
Comment: This missense variant replaces threonine with isoleucine at codon 1904 of the FBN1 protein. Computational prediction is inconclusive regarding the impact of this variant on protein structure and function (internally defined REVEL score threshold 0.5 < inconclusive < 0.7, PMID: 27666373). To our knowledge, functional studies have not been reported for this variant. This variant has not been reported in individuals affected with FBN1-related disorders in the literature. This variant has been identified in 1/31400 chromosomes in the general population by the Genome Aggregation Database (gnomAD). The available evidence is insufficient to determine the role of this variant in disease conclusively. Therefore, this variant is classified as a Variant of Uncertain Significance.

All of Us Research Program, National Institutes of Health
Classification: Uncertain significance for Marfan syndrome. Last evaluated: 2024-01-03. Review status: criteria provided, single submitter. Criteria: ACMG Guidelines, 2015. Collection method: clinical testing. Allele origin: germline. Inheritance: Autosomal dominant inheritance. Observed: 2 variant alleles, 2 heterozygotes.
Comment: This missense variant replaces threonine with isoleucine at codon 1904 of the FBN1 protein. Computational prediction is inconclusive regarding the impact of this variant on protein structure and function (internally defined REVEL score threshold 0.5 < inconclusive < 0.7, PMID: 27666373). Splice site prediction tools suggest that this variant may not impact RNA splicing. To our knowledge, functional studies have not been performed for this variant. This variant has not been reported in individuals affected with cardiovascular disorders in the literature. This variant has been identified in 1/31400 chromosomes in the general population by the Genome Aggregation Database (gnomAD). The available evidence is insufficient to determine the role of this variant in disease conclusively. Therefore, this variant is classified as a Variant of Uncertain Significance.

This study involves interpretation of variants in research participants for the purpose of population health screening. Participant phenotype was not available at the time of variant classification. Additional details can be found in publication PMID: 35346344, PMCID: PMC8962531

Fulgent Genetics
Classification: Uncertain significance for Acromicric dysplasia; Ectopia lentis 1, isolated, autosomal dominant; Marfan syndrome; Stiff skin syndrome; MASS syndrome; Weill-Marchesani syndrome 2, dominant; Geleophysic dysplasia 2; Progeroid and marfanoid aspect-lipodystrophy syndrome. Last evaluated: 2021-09-13. Review status: criteria provided, single submitter. Criteria: ACMG Guidelines, 2015. Collection method: clinical testing. Allele origin: unknown.